The following is an entry in ClinVar:

NM_018896.5(CACNA1G):c.3406G>T (p.Gly1136Cys)

Gene: CACNA1G (calcium voltage-gated channel subunit alpha1 G; plus strand). Cytogenetic location: 17q21.33.
Variant type: single nucleotide variant.
Coding change: c.3406G>T on transcript NM_018896.5 (MANE Select); coding-DNA position 3406, G replaced by T.
Protein change: p.Gly1136Cys; replaces glycine 1136 with cysteine.
Molecular consequence: missense variant. On other transcripts: non-coding transcript variant (5).
Genome position (GRCh38, 1-based): chr17:50,599,575, G>T. VCF-style: chr17-50599575-G-T. GRCh37 (hg19) VCF-style: chr17-48676936-G-T.
Other names: c.3406G>T, p.Gly1136Cys (NM_001256324.2, NM_001256325.2, NM_001256326.2 and 16 more transcripts); c.3337G>T, p.Gly1113Cys (NM_001256332.2, NM_198376.3, NM_198379.3 and 5 more transcripts); short protein forms G1113C, G1136C.
Identifiers: ClinVar variation 4856902 (VCV004856902.2).

ClinVar aggregate classification (germline): Uncertain significance (1 of 4 stars; one submission).

Submission:

Dasa
Classification: Uncertain significance. Last evaluated: 2024-09-24. Review status: criteria provided, single submitter. Criteria: DASA Assertion Criteria. Collection method: clinical testing. Allele origin: germline.
Comment: NM_018896.5(CACNA1G):c.3406G>T (p.Gly1136Cys) is a missense variant that results in the substitution of glycine with cysteine. This variant is rare in population databases. The currently available literature and clinical evidence are not sufficient to establish a definitive association between this variant and the reported condition. Therefore, this variant is classified as a variant of uncertain significance.